The following is an entry in ClinVar:

ClinVar aggregate classification (germline): Uncertain significance (1 of 4 stars; one submission).

Conditions:
Developmental delay, behavioral abnormalities, and neuropsychiatric disorders (DEDBANP). Identifiers: MedGen C5774224, MONDO:0859292, OMIM 620065.

Submission:

3billion
Classification: Uncertain significance for Developmental delay, behavioral abnormalities, and neuropsychiatric disorders. Last evaluated: 2025-10-02. Review status: criteria provided, single submitter. Criteria: ACMG Guidelines, 2015. Collection method: clinical testing. Allele origin: germline. Affected: yes.
Comment: The variant is not observed in the gnomAD v4.1.0 dataset. Predicted Consequence/Location: Missense variant In silico tool predictions suggest damaging effect of the variant on gene or gene product [REVEL: 0.86 (>=0.6, sensitivity 0.68 and specificity 0.92)]. Therefore, this variant is classified as VUS according to the recommendation of ACMG/AMP guideline.

NM_014921.5(ADGRL1):c.2390G>A (p.Cys797Tyr)

Genes: ADGRL1 (adhesion G protein-coupled receptor L1; minus strand), ADGRL1-AS1 (ADGRL1 antisense RNA 1; plus strand). Cytogenetic location: 19p13.12.
Variant type: single nucleotide variant.
Coding change: c.2390G>A on transcript NM_014921.5 (MANE Select); coding-DNA position 2390, G replaced by A.
Protein change: p.Cys797Tyr; replaces cysteine 797 with tyrosine.
Molecular consequence: missense variant.
Genome position (GRCh38, 1-based): chr19:14,158,027, C>T on the plus strand (G>A on the coding strand, the complement: ADGRL1 is on the minus strand). VCF-style: chr19-14158027-C-T. GRCh37 (hg19) VCF-style: chr19-14268839-C-T.
Other names: c.2405G>A, p.Cys802Tyr (NM_001008701.3); short protein forms C797Y, C802Y.
Identifiers: ClinVar variation 4854018 (VCV004854018.1).